The following is an entry in ClinVar:

NM_005548.3(KARS1):c.1051A>G (p.Met351Val)

Gene: KARS1 (lysyl-tRNA synthetase 1; minus strand). Cytogenetic location: 16q23.1.
Variant type: single nucleotide variant.
Coding change: c.1051A>G on transcript NM_005548.3 (MANE Select); coding-DNA position 1051, A replaced by G.
Protein change: p.Met351Val; replaces methionine 351 with valine.
Molecular consequence: missense variant.
Genome position (GRCh38, 1-based): chr16:75,631,720, T>C on the plus strand (A>G on the coding strand, the complement: KARS1 is on the minus strand). VCF-style: chr16-75631720-T-C. GRCh37 (hg19) VCF-style: chr16-75665618-T-C.
Other names: c.1135A>G, p.Met379Val (NM_001130089.2); c.583A>G, p.Met195Val (NM_001378148.1); short protein forms M195V, M351V, M379V.
Identifiers: ClinVar variation 2432958 (VCV002432958.4), dbSNP rs773381161, ClinGen allele CA8177413.
Genomic context (GRCh38, chr16:75,631,720, plus strand): 5'-CACCCGATGAGTATGAGAGAGAGCAGGAGTCACCTGAAACCATCTTCTCCGTGATTTCCA[T>C]GAGATCGTGATAGTCTGCATAGGCCATGTAGAACTCACAGGTGGTGAACTCAGGATTGTG-3'
Protein context (NP_005539.1, residues 341-361): YMAYADYHDL[Met351Val]EITEKMVSGM

ClinVar aggregate classification (germline): Uncertain significance. Review status: criteria provided, multiple submitters, no conflicts (2 of 4 stars). 2 submissions from 2 submitters: Uncertain significance (2). Last evaluated 2025-06-17.

Allele frequency attached by ClinVar (database versions not stated): TOPMed 0.00005; gnomAD exomes 0.00003; gnomAD 0.00005; ExAC 0.00003.
gnomAD v4.1: 51 of 1,610,898 alleles (0.0032%); highest among the groups gnomAD compares: Admixed American, 0.028%; 1 homozygote.

Submissions (2):

GeneDx
Classification: Uncertain significance. Last evaluated: 2025-06-17. Review status: criteria provided, single submitter. Criteria: GeneDx Variant Classification Process June 2021. Collection method: clinical testing. Allele origin: germline. Affected: yes.
Comment: In silico analysis suggests that this missense variant does not alter protein structure/function; Has not been previously published as pathogenic or benign to our knowledge

Revvity Omics, Revvity
Classification: Uncertain significance. Last evaluated: 2019-07-31. Review status: criteria provided, single submitter. Criteria: ACMG Guidelines, 2015. Collection method: clinical testing. Allele origin: germline.